The following is an entry in ClinVar:

ClinVar aggregate classification (germline): Uncertain significance. Review status: criteria provided, multiple submitters, no conflicts (2 of 4 stars). 6 submissions from 6 submitters: Uncertain significance (6). Last evaluated 2026-04-17.

Conditions:
STXBP2-related disorder. Also called: STXBP2-related condition.
Familial hemophagocytic lymphohistiocytosis 5. Also called: STXBP2-Related Familial Hemophagocytic Lymphohistiocytosis (STXBP2-fHLH). Identifiers: Orphanet 540, MedGen C2751293, MONDO:0013135, OMIM 613101.
Inborn genetic diseases. Identifiers: MedGen C0950123, MeSH D030342.

Allele frequency attached by ClinVar (database versions not stated): ESP Exome Variant Server 0.00008; TOPMed 0.00018.

Submissions (6):

PreventionGenetics, part of Exact Sciences
Classification: Uncertain significance for STXBP2-related condition. Last evaluated: 2026-04-17. Review status: criteria provided, single submitter. Criteria: ACMG Guidelines, 2015. Collection method: clinical testing. Allele origin: germline.
Comment: The STXBP2 c.1495G>A variant is predicted to result in the amino acid substitution p.Val499Ile. To our knowledge, this variant has not been reported in the literature. This variant is reported in 0.026% of alleles in individuals of European (Non-Finnish) descent in gnomAD. At this time, the clinical significance of this variant is uncertain due to the absence of conclusive functional and genetic evidence.

Ambry Genetics
Classification: Uncertain significance for Inborn genetic diseases. Last evaluated: 2025-04-04. Review status: criteria provided, single submitter. Criteria: Ambry Variant Classification Scheme 2023. Collection method: clinical testing. Allele origin: germline.

Blueprint Genetics
Classification: Uncertain significance. Last evaluated: 2023-08-14. Review status: criteria provided, single submitter. Criteria: ACMG Guidelines, 2015. Collection method: clinical testing. Allele origin: germline.

Labcorp Genetics (formerly Invitae), Labcorp
Classification: Uncertain significance for Familial hemophagocytic lymphohistiocytosis 5. Last evaluated: 2022-11-01. Review status: criteria provided, single submitter. Criteria: Invitae Variant Classification Sherloc (09022015). Collection method: clinical testing. Allele origin: germline.
Comment: This sequence change replaces valine, which is neutral and non-polar, with isoleucine, which is neutral and non-polar, at codon 499 of the STXBP2 protein (p.Val499Ile). This variant is present in population databases (rs377248327, gnomAD 0.03%). This variant has not been reported in the literature in individuals affected with STXBP2-related conditions. ClinVar contains an entry for this variant (Variation ID: 836096). Algorithms developed to predict the effect of missense changes on protein structure and function (SIFT, PolyPhen-2, Align-GVGD) all suggest that this variant is likely to be tolerated. In summary, the available evidence is currently insufficient to determine the role of this variant in disease. Therefore, it has been classified as a Variant of Uncertain Significance.

Mayo Clinic Laboratories, Mayo Clinic
Classification: Uncertain significance. Last evaluated: 2019-07-07. Review status: criteria provided, single submitter. Criteria: ACMG Guidelines, 2015. Collection method: clinical testing. Allele origin: germline. Observed: 1 variant allele.

Illumina Laboratory Services, Illumina
Classification: Uncertain significance for Familial hemophagocytic lymphohistiocytosis 5. Last evaluated: 2018-01-13. Review status: criteria provided, single submitter. Criteria: ICSL Variant Classification Criteria 13 December 2019. Collection method: clinical testing. Allele origin: germline.

NM_006949.4(STXBP2):c.1495G>A (p.Val499Ile)

Gene: STXBP2 (syntaxin binding protein 2; plus strand). Cytogenetic location: 19p13.2.
Variant type: single nucleotide variant.
Coding change: c.1495G>A on transcript NM_006949.4 (MANE Select); coding-DNA position 1495, G replaced by A.
Protein change: p.Val499Ile; replaces valine 499 with isoleucine.
Molecular consequence: missense variant. On other transcripts: non-coding transcript variant (1).
Genome position (GRCh38, 1-based): chr19:7,647,204, G>A. VCF-style: chr19-7647204-G-A. GRCh37 (hg19) VCF-style: chr19-7712090-G-A.
Other names: c.1486G>A, p.Val496Ile (NM_001127396.3); c.1528G>A, p.Val510Ile (NM_001272034.2); c.1495G>A (NM_006949.2); short protein forms V510I, V496I, V499I.
Identifiers: ClinVar variation 836096 (VCV000836096.18), dbSNP rs377248327, ClinGen allele CA9144206.